The following is an entry in ClinVar:

NM_025137.4(SPG11):c.248C>G (p.Pro83Arg)

Gene: SPG11 (SPG11 vesicle trafficking associated, spatacsin; minus strand). Cytogenetic location: 15q21.1.
Variant type: single nucleotide variant.
Coding change: c.248C>G on transcript NM_025137.4 (MANE Select); coding-DNA position 248, C replaced by G.
Protein change: p.Pro83Arg; replaces proline 83 with arginine.
Molecular consequence: missense variant.
Genome position (GRCh38, 1-based): chr15:44,663,400, G>C on the plus strand (C>G on the coding strand, the complement: SPG11 is on the minus strand). VCF-style: chr15-44663400-G-C. GRCh37 (hg19) VCF-style: chr15-44955598-G-C.
Other names: c.248C>G, p.Pro83Arg (NM_001160227.2); short protein forms P83R.
Identifiers: ClinVar variation 1407642 (VCV001407642.5), dbSNP rs1465468992, ClinGen allele CA392238496.

ClinVar aggregate classification (germline): Uncertain significance (1 of 4 stars; one submission).

Conditions:
Hereditary spastic paraplegia 11. Also called: Nakamura Osame syndrome; Autosomal recessive hereditary spastic paraplegia, mental impairment, and thin corpus callosum; Spastic Paraplegia 11; SPASTIC PARAPLEGIA, AUTOSOMAL RECESSIVE, COMPLICATED, WITH THIN CORPUS CALLOSUM; SPASTIC PARAPLEGIA, AUTOSOMAL RECESSIVE, WITH MENTAL IMPAIRMENT AND THIN CORPUS CALLOSUM; Spastic paraplegia, mental retardation and thin corpus callosum. Identifiers: Orphanet 2822, MedGen C1858479, MONDO:0011445, OMIM 604360.

Allele frequency attached by ClinVar (database versions not stated): gnomAD exomes below 0.00001; TOPMed below 0.00001.
gnomAD v4.1: 1 of 1,607,592 alleles (0.000062%); highest among the groups gnomAD compares: East Asian, 0.0022%; no homozygotes.

Submission:

Labcorp Genetics (formerly Invitae), Labcorp
Classification: Uncertain significance for Hereditary spastic paraplegia 11. Last evaluated: 2021-08-31. Review status: criteria provided, single submitter. Criteria: Invitae Variant Classification Sherloc (09022015). Collection method: clinical testing. Allele origin: germline.
Comment: This sequence change replaces proline with arginine at codon 83 of the SPG11 protein (p.Pro83Arg). The proline residue is moderately conserved and there is a moderate physicochemical difference between proline and arginine. This variant is not present in population databases (ExAC no frequency). This variant has not been reported in the literature in individuals affected with SPG11-related conditions. Algorithms developed to predict the effect of missense changes on protein structure and function are either unavailable or do not agree on the potential impact of this missense change (SIFT: "Deleterious"; PolyPhen-2: "Benign"; Align-GVGD: "Class C0"). In summary, the available evidence is currently insufficient to determine the role of this variant in disease. Therefore, it has been classified as a Variant of Uncertain Significance.